The following is an entry in ClinVar:

NM_014283.5(SUCO):c.1511A>G (p.Asn504Ser)

Gene: SUCO (SUN domain containing ossification factor; plus strand). Cytogenetic location: 1q24.3.
Variant type: single nucleotide variant.
Coding change: c.1511A>G on transcript NM_014283.5 (MANE Select); coding-DNA position 1511, A replaced by G.
Protein change: p.Asn504Ser; replaces asparagine 504 with serine.
Molecular consequence: missense variant. On other transcripts: intron variant (1).
Genome position (GRCh38, 1-based): chr1:172,585,030, A>G. VCF-style: chr1-172585030-A-G. GRCh37 (hg19) VCF-style: chr1-172554170-A-G.
Other names: c.1400A>G, p.Asn467Ser (NM_001282750.2); c.1964A>G, p.Asn655Ser (NM_016227.4); c.-31-3730A>G (NM_001282751.2); short protein forms N655S, N467S, N504S.
Identifiers: ClinVar variation 3716765 (VCV003716765.2).
Genomic context (GRCh38, chr1:172,585,030, plus strand): 5'-TAGAATATTTAGGTATTTGGTACTTTTTCTGATTGAATTTTGTTTTAGATGCCATTCTAA[A>G]TATGGTGAATATTGCTGCTAATATTCTGGGAGCAAAAACTGAAGACCTGACAGAAGGTAC-3'
Protein context (NP_055098.1, residues 494-514): LLGSATNAIL[Asn504Ser]MVNIAANILG

ClinVar aggregate classification (germline): Uncertain significance (1 of 4 stars; one submission).

gnomAD v4.1: 2 of 1,601,350 alleles (0.00012%); highest among the groups gnomAD compares: Admixed American, 0.0017%; no homozygotes.

Submission:

Labcorp Genetics (formerly Invitae), Labcorp
Classification: Uncertain significance. Last evaluated: 2024-04-05. Review status: criteria provided, single submitter. Criteria: Invitae Variant Classification Sherloc (09022015). Collection method: clinical testing. Allele origin: germline.
Comment: This sequence change replaces asparagine, which is neutral and polar, with serine, which is neutral and polar, at codon 504 of the SUCO protein (p.Asn504Ser). This variant is not present in population databases (gnomAD no frequency). This variant has not been reported in the literature in individuals affected with SUCO-related conditions. An algorithm developed to predict the effect of missense changes on protein structure and function (PolyPhen-2) suggests that this variant is likely to be tolerated. In summary, the available evidence is currently insufficient to determine the role of this variant in disease. Therefore, it has been classified as a Variant of Uncertain Significance.